The following is an entry in ClinVar:

NM_018942.3(HMX1):c.874G>T (p.Ala292Ser)

Gene: HMX1 (H6 family homeobox 1; minus strand). Cytogenetic location: 4p16.1.
Variant type: single nucleotide variant.
Coding change: c.874G>T on transcript NM_018942.3 (MANE Select); coding-DNA position 874, G replaced by T.
Protein change: p.Ala292Ser; replaces alanine 292 with serine.
Molecular consequence: missense variant. On other transcripts: intron variant (1).
Genome position (GRCh38, 1-based): chr4:8,867,866, C>A on the plus strand (G>T on the coding strand, the complement: HMX1 is on the minus strand). VCF-style: chr4-8867866-C-A. GRCh37 (hg19) VCF-style: chr4-8869592-C-A.
Other names: c.394+3355G>T (NM_001306142.2); c.874G>T (NM_018942.2); short protein forms A292S.
Identifiers: ClinVar variation 1920799 (VCV001920799.4), dbSNP rs1235263532, ClinGen allele CA356277603.
Genomic context (GRCh38, chr4:8,867,866, plus strand): 5'-CGGGCGCGGCGGGCGCCAGCGGGAAGGGCAGGGTGGCCGGGGGCCCAGCGGCGGCTGCGG[C>A]CGGGGGGCTTTCGTGGTAGAGCACCGGCACGCGGACCAGGCGCTGCGCTCCCGGCGGGGA-3'
Protein context (NP_061815.2, residues 282-302): VPVLYHESPP[Ala292Ser]AAAAGPPATL

ClinVar aggregate classification (germline): Uncertain significance. Review status: criteria provided, multiple submitters, no conflicts (2 of 4 stars). 3 submissions from 3 submitters: Uncertain significance (3). Last evaluated 2024-05-23.

Conditions:
Inborn genetic diseases. Identifiers: MedGen C0950123, MeSH D030342.

Allele frequency attached by ClinVar (database versions not stated): gnomAD 0.00002; TOPMed 0.00005; gnomAD exomes 0.00006.
gnomAD v4.1: 63 of 1,260,888 alleles (0.005%); highest among the groups gnomAD compares: Non-Finnish European, 0.0062%; no homozygotes.

Submissions (3):

Blueprint Genetics
Classification: Uncertain significance. Last evaluated: 2024-05-23. Review status: criteria provided, single submitter. Criteria: ACMG Guidelines, 2015. Collection method: clinical testing. Allele origin: germline.

Ambry Genetics
Classification: Uncertain significance for Inborn genetic diseases. Last evaluated: 2024-04-24. Review status: criteria provided, single submitter. Criteria: Ambry Variant Classification Scheme 2023. Collection method: clinical testing. Allele origin: germline.

Labcorp Genetics (formerly Invitae), Labcorp
Classification: Uncertain significance. Last evaluated: 2022-02-20. Review status: criteria provided, single submitter. Criteria: Invitae Variant Classification Sherloc (09022015). Collection method: clinical testing. Allele origin: germline.
Comment: This sequence change replaces alanine, which is neutral and non-polar, with serine, which is neutral and polar, at codon 292 of the HMX1 protein (p.Ala292Ser). This variant is not present in population databases (gnomAD no frequency). This variant has not been reported in the literature in individuals affected with HMX1-related conditions. Algorithms developed to predict the effect of missense changes on protein structure and function (SIFT, PolyPhen-2, Align-GVGD) all suggest that this variant is likely to be tolerated. In summary, the available evidence is currently insufficient to determine the role of this variant in disease. Therefore, it has been classified as a Variant of Uncertain Significance.